The following is an entry in ClinVar:

ClinVar aggregate classification (germline): Uncertain significance. Review status: criteria provided, multiple submitters, no conflicts (2 of 4 stars). 3 submissions from 3 submitters: Uncertain significance (3). Last evaluated 2024-08-08.

Conditions:
Familial cancer of breast. Also called: Hereditary breast cancer; hereditary breast carcinoma; BREAST CANCER, FAMILIAL. Identifiers: Orphanet 227535, MedGen C0346153, MONDO:0016419, OMIM 114480. Disease mechanism: loss of function.
Hereditary cancer-predisposing syndrome. Also called: Neoplastic Syndromes, Hereditary; Hereditary Cancer Syndrome; Tumor predisposition; Hereditary neoplastic syndrome. Identifiers: Orphanet 140162, MedGen C0027672, MeSH D009386, MONDO:0015356.

Submissions (3):

GeneDx
Classification: Uncertain significance. Last evaluated: 2024-08-08. Review status: criteria provided, single submitter. Criteria: GeneDx Variant Classification Process June 2021. Collection method: clinical testing. Allele origin: germline. Affected: yes.
Comment: Not observed at significant frequency in large population cohorts (gnomAD); In silico analysis indicates that this missense variant does not alter protein structure/function; Has not been previously published as pathogenic or benign to our knowledge

Ambry Genetics
Classification: Uncertain significance for Hereditary cancer-predisposing syndrome. Last evaluated: 2023-12-14. Review status: criteria provided, single submitter. Criteria: Ambry Variant Classification Scheme 2023. Collection method: clinical testing. Allele origin: germline.
Comment: The p.R201I variant (also known as c.602G>T), located in coding exon 4 of the BARD1 gene, results from a G to T substitution at nucleotide position 602. The arginine at codon 201 is replaced by isoleucine, an amino acid with similar properties. This amino acid position is not well conserved in available vertebrate species. In addition, this alteration is predicted to be tolerated by in silico analysis. Since supporting evidence is limited at this time, the clinical significance of this alteration remains unclear.

Labcorp Genetics (formerly Invitae), Labcorp
Classification: Uncertain significance for Familial cancer of breast. Last evaluated: 2023-01-05. Review status: criteria provided, single submitter. Criteria: Invitae Variant Classification Sherloc (09022015). Collection method: clinical testing. Allele origin: germline.
Comment: This sequence change replaces arginine, which is basic and polar, with isoleucine, which is neutral and non-polar, at codon 201 of the BARD1 protein (p.Arg201Ile). In summary, the available evidence is currently insufficient to determine the role of this variant in disease. Therefore, it has been classified as a Variant of Uncertain Significance. Algorithms developed to predict the effect of missense changes on protein structure and function are either unavailable or do not agree on the potential impact of this missense change (SIFT: "Deleterious"; PolyPhen-2: "Benign"; Align-GVGD: "Class C15"). ClinVar contains an entry for this variant (Variation ID: 852395). This variant has not been reported in the literature in individuals affected with BARD1-related conditions. This variant is not present in population databases (gnomAD no frequency).

NM_000465.4(BARD1):c.602G>T (p.Arg201Ile)

Gene: BARD1 (BRCA1 associated RING domain 1; minus strand). Cytogenetic location: 2q35.
Variant type: single nucleotide variant.
Coding change: c.602G>T on transcript NM_000465.4 (MANE Select); coding-DNA position 602, G replaced by T.
Protein change: p.Arg201Ile; replaces arginine 201 with isoleucine.
Molecular consequence: missense variant. On other transcripts: non-coding transcript variant (2), intron variant (3).
Genome position (GRCh38, 1-based): chr2:214,781,272, C>A on the plus strand (G>T on the coding strand, the complement: BARD1 is on the minus strand). VCF-style: chr2-214781272-C-A. GRCh37 (hg19) VCF-style: chr2-215645996-C-A.
Other names: c.545G>T, p.Arg182Ile (NM_001282543.2); c.158+28140G>T (NM_001282548.2); c.215+15789G>T (NM_001282545.2); c.364+11025G>T (NM_001282549.2); short protein forms R182I, R201I.
Identifiers: ClinVar variation 852395 (VCV000852395.14), dbSNP rs1695012208, ClinGen allele CA350456752.